The following is an entry in ClinVar:

ClinVar aggregate classification (germline): Uncertain significance. Review status: criteria provided, multiple submitters, no conflicts (2 of 4 stars). 2 submissions from 2 submitters: Uncertain significance (2). Last evaluated 2023-09-06.

Conditions:
Rhabdoid tumor predisposition syndrome 2 (RTPS2). Identifiers: Orphanet 231108, Orphanet 69077, MedGen C2750074, MONDO:0013224, OMIM 613325.
Hereditary cancer-predisposing syndrome. Also called: Tumor predisposition; Hereditary Cancer Syndrome; Hereditary neoplastic syndrome; Neoplastic Syndromes, Hereditary. Identifiers: Orphanet 140162, MedGen C0027672, MeSH D009386, MONDO:0015356.

Allele frequency attached by ClinVar (database versions not stated): gnomAD exomes below 0.00001.
gnomAD v4.1: 2 of 1,613,976 alleles (0.00012%); highest among the groups gnomAD compares: Non-Finnish European, 0.00017%; no homozygotes.

Submissions (2):

Labcorp Genetics (formerly Invitae), Labcorp
Classification: Uncertain significance for Rhabdoid tumor predisposition syndrome 2. Last evaluated: 2023-09-06. Review status: criteria provided, single submitter. Criteria: Invitae Variant Classification Sherloc (09022015). Collection method: clinical testing. Allele origin: germline.
Comment: In summary, the available evidence is currently insufficient to determine the role of this variant in disease. Therefore, it has been classified as a Variant of Uncertain Significance. Advanced modeling of protein sequence and biophysical properties (such as structural, functional, and spatial information, amino acid conservation, physicochemical variation, residue mobility, and thermodynamic stability) has been performed at Invitae for this missense variant, however the output from this modeling did not meet the statistical confidence thresholds required to predict the impact of this variant on SMARCA4 protein function. ClinVar contains an entry for this variant (Variation ID: 537792). This variant has not been reported in the literature in individuals affected with SMARCA4-related conditions. This variant is not present in population databases (gnomAD no frequency). This sequence change replaces asparagine, which is neutral and polar, with serine, which is neutral and polar, at codon 435 of the SMARCA4 protein (p.Asn435Ser).

Ambry Genetics
Classification: Uncertain significance for Hereditary cancer-predisposing syndrome. Last evaluated: 2022-11-01. Review status: criteria provided, single submitter. Criteria: Ambry Variant Classification Scheme 2023. Collection method: clinical testing. Allele origin: germline.
Comment: The p.N435S variant (also known as c.1304A>G), located in coding exon 7 of the SMARCA4 gene, results from an A to G substitution at nucleotide position 1304. The asparagine at codon 435 is replaced by serine, an amino acid with highly similar properties. This amino acid position is highly conserved in available vertebrate species. In addition, this alteration is predicted to be tolerated by in silico analysis. Missense and in-frame variants in SMARCA4 are known to cause neurodevelopmental disorders; however, such associations with rhabdoid tumor predisposition syndrome including small cell carcinoma of the ovary-hypercalcemic type (SCCOHT) are exceedingly rare (Kosho T et al. Am J Med Genet C Semin Med Genet. 2014 Sep;166C(3):262-75; Jelinic P et al. Nat Genet. 2014 May;46(5):424-6). Based on the supporting evidence, the association of this alteration with Coffin-Siris syndrome is unknown; however, the association of this alteration with rhabdoid tumor predisposition syndrome is unlikely.

NM_003072.5(SMARCA4):c.1304A>G (p.Asn435Ser)

Gene: SMARCA4 (SWI/SNF related BAF chromatin remodeling complex subunit ATPase 4; plus strand). Cytogenetic location: 19p13.2.
Variant type: single nucleotide variant.
Coding change: c.1304A>G on transcript NM_003072.5 (MANE Select); coding-DNA position 1304, A replaced by G.
Protein change: p.Asn435Ser; replaces asparagine 435 with serine.
Molecular consequence: missense variant. On other transcripts: non-coding transcript variant (1).
Genome position (GRCh38, 1-based): chr19:10,991,208, A>G. VCF-style: chr19-10991208-A-G. GRCh37 (hg19) VCF-style: chr19-11101884-A-G.
Other names: c.1304A>G, p.Asn435Ser (NM_001128844.3, NM_001128845.2, NM_001128846.2 and 5 more transcripts); short protein forms N435S.
Identifiers: ClinVar variation 537792 (VCV000537792.10), dbSNP rs1555757591, ClinGen allele CA404060677.